The following is an entry in ClinVar:

NM_015278.5(SASH1):c.549G>C (p.Thr183=)

Gene: SASH1 (SAM and SH3 domain containing 1; plus strand). Cytogenetic location: 6q24.3.
Variant type: single nucleotide variant.
Coding change: c.549G>C on transcript NM_015278.5 (MANE Select); coding-DNA position 549, G replaced by C.
Protein change: p.Thr183=; no amino-acid change (threonine 183 retained).
Molecular consequence: synonymous variant.
Genome position (GRCh38, 1-based): chr6:148,474,144, G>C. VCF-style: chr6-148474144-G-C. GRCh37 (hg19) VCF-style: chr6-148795280-G-C.
Other names: c.414G>C, p.Thr138= (NM_001346505.2); c.177G>C, p.Thr59= (NM_001346506.2).
Identifiers: ClinVar variation 3039653 (VCV003039653.2), dbSNP rs140254763, ClinGen allele CA4040024.

ClinVar aggregate classification (germline): Likely benign (0 of 4 stars; one submission).

Conditions:
SASH1-related disorder. Also called: SASH1-related condition.

Allele frequency attached by ClinVar (database versions not stated): ExAC 0.00008; ESP Exome Variant Server 0.00015; 1000 Genomes Project 30x 0.00047; 1000 Genomes Project 0.00060.
gnomAD v4.1: 50 of 1,611,932 alleles (0.0031%); highest among the groups gnomAD compares: African/African-American, 0.061%; no homozygotes.

Submission:

PreventionGenetics, part of Exact Sciences
Classification: Likely benign for SASH1-related condition. Last evaluated: 2019-05-23. Review status: no assertion criteria provided. Collection method: clinical testing. Allele origin: germline.
Comment: This variant is classified as likely benign based on ACMG/AMP sequence variant interpretation guidelines (Richards et al. 2015 PMID: 25741868, with internal and published modifications).